The following is an entry in ClinVar:

NM_177438.3(DICER1):c.4151G>A (p.Gly1384Asp)

Gene: DICER1 (dicer 1, ribonuclease III; minus strand). Cytogenetic location: 14q32.13.
Variant type: single nucleotide variant.
Coding change: c.4151G>A on transcript NM_177438.3 (MANE Select); coding-DNA position 4151, G replaced by A.
Protein change: p.Gly1384Asp; replaces glycine 1384 with aspartic acid.
Molecular consequence: missense variant. On other transcripts: non-coding transcript variant (6).
Genome position (GRCh38, 1-based): chr14:95,099,835, C>T on the plus strand (G>A on the coding strand, the complement: DICER1 is on the minus strand). VCF-style: chr14-95099835-C-T. GRCh37 (hg19) VCF-style: chr14-95566172-C-T.
Other names: c.4151G>A, p.Gly1384Asp (NM_001195573.1, NM_001271282.3, NM_001291628.2 and 13 more transcripts); c.3869G>A, p.Gly1290Asp (NM_001395686.1); c.3746G>A, p.Gly1249Asp (NM_001395687.1, NM_001395688.1, NM_001395689.1 and 2 more transcripts); c.3584G>A, p.Gly1195Asp (NM_001395691.1); c.2468G>A, p.Gly823Asp (NM_001395697.1); short protein forms G1195D, G823D, G1384D, G1249D, G1290D.
Identifiers: ClinVar variation 1988814 (VCV001988814.1), dbSNP rs1060503664, ClinGen allele CA390871920.

ClinVar aggregate classification (germline): Uncertain significance (1 of 4 stars; one submission).

Conditions:
DICER1-related tumor predisposition. Also called: DICER1 syndrome; DICER1-related pleuropulmonary blastoma cancer predisposition syndrome. Identifiers: Orphanet 284343, MedGen C3839822, MONDO:0100216.

Submission:

Labcorp Genetics (formerly Invitae), Labcorp
Classification: Uncertain significance for DICER1-related tumor predisposition. Last evaluated: 2022-03-02. Review status: criteria provided, single submitter. Criteria: Invitae Variant Classification Sherloc (09022015). Collection method: clinical testing. Allele origin: germline.
Comment: This sequence change replaces glycine, which is neutral and non-polar, with aspartic acid, which is acidic and polar, at codon 1384 of the DICER1 protein (p.Gly1384Asp). This variant is not present in population databases (gnomAD no frequency). This variant has not been reported in the literature in individuals affected with DICER1-related conditions. Algorithms developed to predict the effect of missense changes on protein structure and function are either unavailable or do not agree on the potential impact of this missense change (SIFT: "Tolerated"; PolyPhen-2: "Probably Damaging"; Align-GVGD: "Class C0"). In summary, the available evidence is currently insufficient to determine the role of this variant in disease. Therefore, it has been classified as a Variant of Uncertain Significance.